The following is an entry in ClinVar:

NM_182961.4(SYNE1):c.1414G>A (p.Val472Ile)

Gene: SYNE1 (spectrin repeat containing nuclear envelope protein 1; minus strand). Cytogenetic location: 6q25.2.
Variant type: single nucleotide variant.
Coding change: c.1414G>A on transcript NM_182961.4 (MANE Select); coding-DNA position 1414, G replaced by A.
Protein change: p.Val472Ile; replaces valine 472 with isoleucine.
Molecular consequence: missense variant.
Genome position (GRCh38, 1-based): chr6:152,472,350, C>T on the plus strand (G>A on the coding strand, the complement: SYNE1 is on the minus strand). VCF-style: chr6-152472350-C-T. GRCh37 (hg19) VCF-style: chr6-152793485-C-T.
Other names: c.1435G>A, p.Val479Ile (NM_033071.5); short protein forms V472I, V479I.
Identifiers: ClinVar variation 951541 (VCV000951541.12), dbSNP rs952688216, ClinGen allele CA150207991.

ClinVar aggregate classification (germline): Uncertain significance. Review status: criteria provided, multiple submitters, no conflicts (2 of 4 stars). 2 submissions from 2 submitters: Uncertain significance (2). Last evaluated 2022-08-09.

Conditions:
Autosomal recessive ataxia, Beauce type. Also called: Spinocerebellar ataxia, autosomal recessive 8; ATAXIA, RECESSIVE, OF BEAUCE; SYNE1-Related Autosomal Recessive Cerebellar Ataxia; SYNE1 Deficiency. Identifiers: Orphanet 88644, MedGen C1853116, MONDO:0012549, OMIM 610743.
Emery-Dreifuss muscular dystrophy 4, autosomal dominant (EDMD4). Also called: EMERY-DREIFUSS MUSCULAR DYSTROPHY 4 WITH VARIABLE FEATURES. Identifiers: Orphanet 261, MedGen C2751807, MONDO:0013071, OMIM 612998.

Allele frequency attached by ClinVar (database versions not stated): gnomAD 0.00001; TOPMed 0.00001; gnomAD exomes 0.00002.
gnomAD v4.1: 34 of 1,613,940 alleles (0.0021%); highest among the groups gnomAD compares: Non-Finnish European, 0.0025%; no homozygotes.

Submissions (2):

Labcorp Genetics (formerly Invitae), Labcorp
Classification: Uncertain significance for Emery-Dreifuss muscular dystrophy 4, autosomal dominant; Autosomal recessive ataxia, Beauce type. Last evaluated: 2022-08-09. Review status: criteria provided, single submitter. Criteria: Invitae Variant Classification Sherloc (09022015). Collection method: clinical testing. Allele origin: germline.
Comment: In summary, the available evidence is currently insufficient to determine the role of this variant in disease. Therefore, it has been classified as a Variant of Uncertain Significance. Algorithms developed to predict the effect of missense changes on protein structure and function are either unavailable or do not agree on the potential impact of this missense change (SIFT: "Deleterious"; PolyPhen-2: "Probably Damaging"; Align-GVGD: "Class C0"). ClinVar contains an entry for this variant (Variation ID: 951541). This variant has not been reported in the literature in individuals affected with SYNE1-related conditions. This variant is present in population databases (no rsID available, gnomAD 0.004%). This sequence change replaces valine, which is neutral and non-polar, with isoleucine, which is neutral and non-polar, at codon 479 of the SYNE1 protein (p.Val479Ile).

Revvity Omics, Revvity
Classification: Uncertain significance. Last evaluated: 2019-04-25. Review status: criteria provided, single submitter. Criteria: ACMG Guidelines, 2015. Collection method: clinical testing. Allele origin: germline.